The following is an entry in ClinVar:

NM_001267550.2(TTN):c.7467C>A (p.Asp2489Glu)

Genes: TTN (titin; minus strand), LOC126806433 (BRD4-independent group 4 enhancer GRCh37_chr2:179638309-179639508; plus strand). Cytogenetic location: 2q31.2.
Variant type: single nucleotide variant.
Coding change: c.7467C>A on transcript NM_001267550.2 (MANE Select); coding-DNA position 7467, C replaced by A.
Protein change: p.Asp2489Glu; replaces aspartic acid 2489 with glutamic acid.
Molecular consequence: missense variant.
Genome position (GRCh38, 1-based): chr2:178,773,589, G>T on the plus strand (C>A on the coding strand, the complement: TTN is on the minus strand). VCF-style: chr2-178773589-G-T. GRCh37 (hg19) VCF-style: chr2-179638316-G-T.
Other names: c.7467C>A, p.Asp2489Glu (NM_001256850.1, NM_133378.4, NM_133379.5); c.7329C>A, p.Asp2443Glu (NM_003319.4, NM_133432.3, NM_133437.4); short protein forms D2443E, D2489E.
Identifiers: ClinVar variation 2630651 (VCV002630651.1), dbSNP rs2091842638, ClinGen allele CA349680222.

ClinVar aggregate classification (germline): Uncertain significance (1 of 4 stars; one submission).

Conditions:
TTN-related disorder. Also called: TTN-related condition; TTN-related disease; TTN-related disorders.

Allele frequency attached by ClinVar (database versions not stated): gnomAD exomes below 0.00001; TOPMed below 0.00001.
gnomAD v4.1: 3 of 1,613,884 alleles (0.00019%); highest among the groups gnomAD compares: Admixed American, 0.0017%; no homozygotes.

Submission:

PreventionGenetics, part of Exact Sciences
Classification: Uncertain significance for TTN-related condition. Last evaluated: 2023-02-22. Review status: criteria provided, single submitter. Criteria: ACMG Guidelines, 2015. Collection method: clinical testing. Allele origin: germline.
Comment: The TTN c.7467C>A variant is predicted to result in the amino acid substitution p.Asp2489Glu. To our knowledge, this variant has not been reported in the literature or in a large population database, indicating this variant is rare. At this time, the clinical significance of this variant is uncertain due to the absence of conclusive functional and genetic evidence.